The following is an entry in ClinVar:

ClinVar aggregate classification (germline): Uncertain significance (1 of 4 stars; one submission).

Conditions:
Hereditary cancer-predisposing syndrome. Also called: Neoplastic Syndromes, Hereditary; Tumor predisposition; Hereditary Cancer Syndrome; Hereditary neoplastic syndrome. Identifiers: Orphanet 140162, MedGen C0027672, MeSH D009386, MONDO:0015356.

Allele frequency attached by ClinVar (database versions not stated): gnomAD exomes 0.00001.
gnomAD v4.1: 8 of 1,614,084 alleles (0.0005%); highest among the groups gnomAD compares: Non-Finnish European, 0.00068%; no homozygotes.

Submission:

Ambry Genetics
Classification: Uncertain significance for Hereditary cancer-predisposing syndrome. Last evaluated: 2024-05-16. Review status: criteria provided, single submitter. Criteria: Ambry Variant Classification Scheme 2023. Collection method: clinical testing. Allele origin: germline.
Comment: The p.E265D variant (also known as c.795G>C), located in coding exon 7 of the FANCC gene, results from a G to C substitution at nucleotide position 795. The glutamic acid at codon 265 is replaced by aspartic acid, an amino acid with highly similar properties. This amino acid position is conserved. In addition, this alteration is predicted to be tolerated by in silico analysis. Since supporting evidence is limited at this time, the clinical significance of this alteration remains unclear.

NM_000136.3(FANCC):c.795G>C (p.Glu265Asp)

Genes: AOPEP (aminopeptidase O (putative); plus strand), FANCC (FA complementation group C; minus strand). Cytogenetic location: 9q22.32.
Variant type: single nucleotide variant.
Coding change: c.795G>C on transcript NM_000136.3 (MANE Select); coding-DNA position 795, G replaced by C.
Protein change: p.Glu265Asp; replaces glutamic acid 265 with aspartic acid.
Molecular consequence: missense variant.
Genome position (GRCh38, 1-based): chr9:95,135,394, C>G on the plus strand (G>C on the coding strand, the complement: FANCC is on the minus strand). VCF-style: chr9-95135394-C-G. GRCh37 (hg19) VCF-style: chr9-97897676-C-G.
Other names: c.795G>C, p.Glu265Asp (NM_001243743.2, NM_001243744.2); short protein forms E265D.
Identifiers: ClinVar variation 1761401 (VCV001761401.3), dbSNP rs2135166077, ClinGen allele CA374109270.